The following is an entry in ClinVar:

ClinVar aggregate classification (germline): Uncertain significance (1 of 4 stars; one submission).

Allele frequency attached by ClinVar (database versions not stated): gnomAD exomes below 0.00001.

Submission:

Labcorp Genetics (formerly Invitae), Labcorp
Classification: Uncertain significance. Last evaluated: 2022-09-27. Review status: criteria provided, single submitter. Criteria: Invitae Variant Classification Sherloc (09022015). Collection method: clinical testing. Allele origin: germline.
Comment: In summary, the available evidence is currently insufficient to determine the role of this variant in disease. Therefore, it has been classified as a Variant of Uncertain Significance. Advanced modeling of protein sequence and biophysical properties (such as structural, functional, and spatial information, amino acid conservation, physicochemical variation, residue mobility, and thermodynamic stability) performed at Invitae indicates that this missense variant is not expected to disrupt PKD1L1 protein function. This variant has not been reported in the literature in individuals affected with PKD1L1-related conditions. This variant is not present in population databases (gnomAD no frequency). This sequence change replaces serine, which is neutral and polar, with tyrosine, which is neutral and polar, at codon 1146 of the PKD1L1 protein (p.Ser1146Tyr).

NM_138295.5(PKD1L1):c.3437C>A (p.Ser1146Tyr)

Gene: PKD1L1 (polycystin 1 like 1, transient receptor potential channel interacting; minus strand). Cytogenetic location: 7p12.3.
Variant type: single nucleotide variant.
Coding change: c.3437C>A on transcript NM_138295.5 (MANE Select); coding-DNA position 3437, C replaced by A.
Protein change: p.Ser1146Tyr; replaces serine 1146 with tyrosine.
Molecular consequence: missense variant.
Genome position (GRCh38, 1-based): chr7:47,881,914, G>T on the plus strand (C>A on the coding strand, the complement: PKD1L1 is on the minus strand). VCF-style: chr7-47881914-G-T. GRCh37 (hg19) VCF-style: chr7-47921512-G-T.
Other names: short protein forms S1146Y.
Identifiers: ClinVar variation 1917245 (VCV001917245.5), dbSNP rs1786561917, ClinGen allele CA367480054.
Genomic context (GRCh38, chr7:47,881,914, plus strand): 5'-ATCTAAAAGCTTCAGAAACACTGCAAATTGGAGGGTACAAAGAGGACATTCATACCTGAG[G>T]ATGAATAGCCTTGGAAAACTGCTCGACCCAGCAGGGCCTTGGGCCAGTCAATCATGAGGA-3'
Protein context (NP_612152.1, residues 1136-1156): LGRAVFQGYS[Ser1146Tyr]SGITEQTVTI